The following is an entry in ClinVar:

NM_002470.4(MYH3):c.2376G>A (p.Val792=)

Gene: MYH3 (myosin heavy chain 3; minus strand). Cytogenetic location: 17p13.1.
Variant type: single nucleotide variant.
Coding change: c.2376G>A on transcript NM_002470.4 (MANE Select); coding-DNA position 2376, G replaced by A.
Protein change: p.Val792=; no amino-acid change (valine 792 retained).
Molecular consequence: synonymous variant.
Genome position (GRCh38, 1-based): chr17:10,640,383, C>T on the plus strand (G>A on the coding strand, the complement: MYH3 is on the minus strand). VCF-style: chr17-10640383-C-T. GRCh37 (hg19) VCF-style: chr17-10543700-C-T.
Identifiers: ClinVar variation 1977513 (VCV001977513.5), dbSNP rs1018064591, ClinGen allele CA497978896.

ClinVar aggregate classification (germline): Uncertain significance (1 of 4 stars; one submission).

Submission:

Labcorp Genetics (formerly Invitae), Labcorp
Classification: Uncertain significance. Last evaluated: 2022-05-07. Review status: criteria provided, single submitter. Criteria: Invitae Variant Classification Sherloc (09022015). Collection method: clinical testing. Allele origin: germline.
Comment: In summary, the available evidence is currently insufficient to determine the role of this variant in disease. Therefore, it has been classified as a Variant of Uncertain Significance. Algorithms developed to predict the effect of sequence changes on RNA splicing suggest that this variant may create or strengthen a splice site. This variant has not been reported in the literature in individuals affected with MYH3-related conditions. This variant is not present in population databases (gnomAD no frequency). This sequence change affects codon 792 of the MYH3 mRNA. It is a 'silent' change, meaning that it does not change the encoded amino acid sequence of the MYH3 protein.